The following is an entry in ClinVar:

NM_025132.4(WDR19):c.2059C>T (p.His687Tyr)

Gene: WDR19 (WD repeat domain 19; plus strand). Cytogenetic location: 4p14.
Variant type: single nucleotide variant.
Coding change: c.2059C>T on transcript NM_025132.4 (MANE Select); coding-DNA position 2059, C replaced by T.
Protein change: p.His687Tyr; replaces histidine 687 with tyrosine.
Molecular consequence: missense variant.
Genome position (GRCh38, 1-based): chr4:39,231,873, C>T. VCF-style: chr4-39231873-C-T. GRCh37 (hg19) VCF-style: chr4-39233493-C-T.
Other names: c.1579C>T, p.His527Tyr (NM_001317924.2); c.2059C>T (NM_025132.3); short protein forms H527Y, H687Y.
Identifiers: ClinVar variation 1025091 (VCV001025091.13), dbSNP rs1577943727, ClinGen allele CA356633817.
Genomic context (GRCh38, chr4:39,231,873, plus strand): 5'-GAAATGTGCAGGATTCTGAATGATGAGGCTGCCTGGAATGAGTTGGCCAGAGCTTGTCTA[C>T]ATCACATGGAAGTGGAGTTTGCAATCCGTGTTTATCGGAGAATTGGAAATGTTGGCATAG-3'
Protein context (NP_079408.3, residues 677-697): AWNELARACL[His687Tyr]HMEVEFAIRV

ClinVar aggregate classification (germline): Uncertain significance. Review status: criteria provided, multiple submitters, no conflicts (2 of 4 stars). 3 submissions from 3 submitters: Uncertain significance (3). Last evaluated 2024-05-02.

Conditions:
Spermatogenic failure 72 (SPGF72). Identifiers: MedGen C5676980, MONDO:0030809, OMIM 619867.
Senior-Loken syndrome 8 (SLSN8). Identifiers: Orphanet 3156, MedGen C4225376, MONDO:0014579, OMIM 616307.
Nephronophthisis 13 (NPHP13). Identifiers: Orphanet 655, MedGen C3280612, MONDO:0013718, OMIM 614377.
Asphyxiating thoracic dystrophy 5 (SRTD5). Also called: SHORT-RIB THORACIC DYSPLASIA 5 WITH OR WITHOUT POLYDACTYLY; SHORT-RIB THORACIC DYSPLASIA 5 WITHOUT POLYDACTYLY. Identifiers: Orphanet 474, MedGen C3280598, MONDO:0013717, OMIM 614376.
Cranioectodermal dysplasia 4 (CED4). Identifiers: Orphanet 1515, MedGen C3280616, MONDO:0013719, OMIM 614378.
Inborn genetic diseases. Identifiers: MedGen C0950123, MeSH D030342.

Allele frequency attached by ClinVar (database versions not stated): gnomAD exomes below 0.00001.
gnomAD v4.1: 2 of 1,613,106 alleles (0.00012%); highest among the groups gnomAD compares: Non-Finnish European, 0.000085%; no homozygotes.

Submissions (3):

Ambry Genetics
Classification: Uncertain significance for Inborn genetic diseases. Last evaluated: 2024-05-02. Review status: criteria provided, single submitter. Criteria: Ambry Variant Classification Scheme 2023. Collection method: clinical testing. Allele origin: germline.

Fulgent Genetics
Classification: Uncertain significance for Asphyxiating thoracic dystrophy 5; Nephronophthisis 13; Cranioectodermal dysplasia 4; Senior-Loken syndrome 8; Spermatogenic failure 72. Last evaluated: 2024-04-15. Review status: criteria provided, single submitter. Criteria: ACMG Guidelines, 2015. Collection method: clinical testing. Allele origin: germline.

Labcorp Genetics (formerly Invitae), Labcorp
Classification: Uncertain significance for Senior-Loken syndrome 8; Asphyxiating thoracic dystrophy 5. Last evaluated: 2022-08-16. Review status: criteria provided, single submitter. Criteria: Invitae Variant Classification Sherloc (09022015). Collection method: clinical testing. Allele origin: germline.
Comment: In summary, the available evidence is currently insufficient to determine the role of this variant in disease. Therefore, it has been classified as a Variant of Uncertain Significance. Algorithms developed to predict the effect of missense changes on protein structure and function output the following: SIFT: "Tolerated"; PolyPhen-2: "Benign"; Align-GVGD: "Class C0". The tyrosine amino acid residue is found in multiple mammalian species, which suggests that this missense change does not adversely affect protein function. ClinVar contains an entry for this variant (Variation ID: 1025091). This variant has not been reported in the literature in individuals affected with WDR19-related conditions. This variant is not present in population databases (gnomAD no frequency). This sequence change replaces histidine, which is basic and polar, with tyrosine, which is neutral and polar, at codon 687 of the WDR19 protein (p.His687Tyr).